The following is an entry in ClinVar:

NM_000153.3(GALC):c.-66G>C

Gene: GALC (galactosylceramidase; minus strand). Cytogenetic location: 14q31.3.
Variant type: single nucleotide variant.
Coding change: c.-66G>C on transcript NM_000153.3; 66 bases upstream of the start codon, G replaced by C.
Molecular consequence: intron variant (on NM_001424076.1).
Genome position (GRCh38, 1-based): chr14:87,993,230, C>G on the plus strand (G>C on the coding strand, the complement: GALC is on the minus strand). VCF-style: chr14-87993230-C-G. GRCh37 (hg19) VCF-style: chr14-88459574-C-G.
Other names: c.-473+153G>C (NM_001424076.1); c.117+153G>C (NM_001201402.2).
Identifiers: ClinVar variation 2581304 (VCV002581304.1), dbSNP rs146439771, ClinGen allele CA265469472.

ClinVar aggregate classification (germline): Uncertain significance (1 of 4 stars; one submission).

gnomAD v4.1: 4 of 1,546,288 alleles (0.00026%); highest among the groups gnomAD compares: Non-Finnish European, 0.00035%; no homozygotes.

Submission:

Women's Health and Genetics/Laboratory Corporation of America, LabCorp
Classification: Uncertain significance. Last evaluated: 2023-08-23. Review status: criteria provided, single submitter. Criteria: LabCorp Variant Classification Summary - May 2015. Collection method: clinical testing. Allele origin: germline.
Comment: Variant summary: GALC c.-66G>C is located in the untranslated mRNA region upstream of the initiation codon. The variant was absent in 150930 control chromosomes (gnomAD v3.1.2). The available data on variant occurrences in the general population are insufficient to allow any conclusion about variant significance. c.-66G>C has been reported in the literature in at least one individual with low GALC activity who was identified via newborn screening (Orsini_2016). This report does not provide unequivocal conclusions about association of the variant with Krabbe Disease. To our knowledge, no experimental evidence demonstrating an impact on protein function has been reported. The following publication has been ascertained in the context of this evaluation (PMID: 26795590). No submitters have cited clinical-significance assessments for this variant to ClinVar after 2014. Based on the evidence outlined above, the variant was classified as uncertain significance.

Literature cited by the submitters: PubMed 26795590.